The following is an entry in ClinVar:

ClinVar aggregate classification (germline): Uncertain significance (1 of 4 stars; one submission).

Conditions:
Hereditary cancer-predisposing syndrome. Also called: Hereditary Cancer Syndrome; Tumor predisposition; Hereditary neoplastic syndrome; Neoplastic Syndromes, Hereditary. Identifiers: Orphanet 140162, MedGen C0027672, MeSH D009386, MONDO:0015356.

Submission:

Ambry Genetics
Classification: Uncertain significance for Hereditary cancer-predisposing syndrome. Last evaluated: 2024-10-12. Review status: criteria provided, single submitter. Criteria: Ambry Variant Classification Scheme 2023. Collection method: clinical testing. Allele origin: germline.
Comment: The p.F753S variant (also known as c.2258T>C), located in coding exon 8 of the MET gene, results from a T to C substitution at nucleotide position 2258. The phenylalanine at codon 753 is replaced by serine, an amino acid with highly dissimilar properties. This amino acid position is conserved. In addition, this alteration is predicted to be deleterious by in silico analysis. Based on the available evidence, the clinical significance of this variant remains unclear.

NM_000245.4(MET):c.2258T>C (p.Phe753Ser)

Gene: MET (MET proto-oncogene, receptor tyrosine kinase; plus strand). Cytogenetic location: 7q31.2.
Variant type: single nucleotide variant.
Coding change: c.2258T>C on transcript NM_000245.4 (MANE Select); coding-DNA position 2258, T replaced by C.
Protein change: p.Phe753Ser; replaces phenylalanine 753 with serine.
Molecular consequence: missense variant.
Genome position (GRCh38, 1-based): chr7:116,758,614, T>C. VCF-style: chr7-116758614-T-C. GRCh37 (hg19) VCF-style: chr7-116398668-T-C.
Other names: c.2258T>C, p.Phe753Ser (NM_001127500.3, NM_001324401.3); c.968T>C, p.Phe323Ser (NM_001324402.2); short protein forms F323S, F753S.
Identifiers: ClinVar variation 3395171 (VCV003395171.1).